The following is an entry in ClinVar:

ClinVar aggregate classification (germline): Pathogenic/Likely pathogenic. Review status: criteria provided, multiple submitters, no conflicts (2 of 4 stars). 4 submissions from 4 submitters: Pathogenic (2); Likely pathogenic (1). 1 of the submissions does not count toward it. Last evaluated 2025-07-20.

Conditions:
Cutis laxa with severe pulmonary, gastrointestinal and urinary anomalies. Also called: URBAN-RIFKIN-DAVIS SYNDROME; Cutis laxa, autosomal recessive, type IC; LTBP4-Related Cutis Laxa. Identifiers: Orphanet 221145, MedGen C2750804, MONDO:0013170, OMIM 613177. Disease mechanism: loss of function.

Submissions (4):

Labcorp Genetics (formerly Invitae), Labcorp
Classification: Pathogenic. Last evaluated: 2025-07-20. Review status: criteria provided, single submitter. Criteria: Invitae Variant Classification Sherloc (09022015). Collection method: clinical testing. Allele origin: germline.
Comment: This sequence change creates a premature translational stop signal (p.Arg707*) in the LTBP4 gene. It is expected to result in an absent or disrupted protein product. Loss-of-function variants in LTBP4 are known to be pathogenic (PMID: 19836010, 22829427). This variant is not present in population databases (gnomAD no frequency). This premature translational stop signal has been observed in individual(s) with clinical features of LTBP4-related conditions (PMID: 31273557). This variant is also known as c.2230C>T (p.Arg744*). ClinVar contains an entry for this variant (Variation ID: 1333666). For these reasons, this variant has been classified as Pathogenic.

GeneDx
Classification: Likely pathogenic. Last evaluated: 2024-02-29. Review status: criteria provided, single submitter. Criteria: GeneDx Variant Classification Process June 2021. Collection method: clinical testing. Allele origin: germline. Affected: yes.
Comment: Nonsense variant predicted to result in protein truncation or nonsense mediated decay in a gene for which loss of function is a known mechanism of disease; Observed with a second truncating LTBP4 variant, phase (in cis or trans) unknown, in a patient with unspecified congenital anomalies in published literature (PMID: 31273557); Not observed at significant frequency in large population cohorts (gnomAD); Also known as c.2230C>T (p.Arg744*); This variant is associated with the following publications: (PMID: 31273557)

3billion
Classification: Pathogenic for Cutis laxa with severe pulmonary, gastrointestinal and urinary anomalies. Last evaluated: 2022-01-03. Review status: criteria provided, single submitter. Criteria: ACMG Guidelines, 2015. Collection method: clinical testing. Allele origin: germline. Affected: yes. Observed: 1 heterozygote.
Comment: The variant has been reported to be associated with LTBP4 related disorder (PMID:31273557). Stop-gained (nonsense): predicted to result in a loss or disruption of normal protein function through nonsense-mediated decay (NMD) or protein truncation. Multiple pathogenic variants are reported downstream of the variant (PVS1_VS). It is not observed in the gnomAD v2.1.1 dataset (PM2_M). Therefore, this variant is classified as pathogenic according to the recommendation of ACMG/AMP guideline.

Genomic Medicine Center of Excellence, King Faisal Specialist Hospital and Research Centre
Classification: Uncertain significance for Cutis laxa with severe pulmonary, gastrointestinal and urinary anomalies. Last evaluated: 2024-03-25. Review status: flagged submission. Criteria: ACMG Guidelines, 2015. Collection method: research. Allele origin: germline. Not counted in ClinVar's aggregate classification.
ClinVar note: Reason: Claim with insufficient supporting evidence

Literature cited by the submitters: PubMed 19836010 (cited by Labcorp Genetics (formerly Invitae), Labcorp); PubMed 22829427 (cited by Labcorp Genetics (formerly Invitae), Labcorp); PubMed 31273557 (cited by Labcorp Genetics (formerly Invitae), Labcorp and 3billion).

NM_001042545.2(LTBP4):c.2029C>T (p.Arg677Ter)

Gene: LTBP4 (latent transforming growth factor beta binding protein 4; plus strand). Cytogenetic location: 19q13.2.
Variant type: single nucleotide variant.
Coding change: c.2029C>T on transcript NM_001042545.2 (MANE Select); coding-DNA position 2029, C replaced by T.
Protein change: p.Arg677Ter; replaces arginine 677 with a stop codon.
Molecular consequence: nonsense.
Genome position (GRCh38, 1-based): chr19:40,611,370, C>T. VCF-style: chr19-40611370-C-T. GRCh37 (hg19) VCF-style: chr19-41117276-C-T.
Other names: c.2230C>T, p.Arg744Ter (NM_001042544.1); c.2119C>T, p.Arg707Ter (NM_003573.2); short protein forms R677*, R707*, R744*.
Identifiers: ClinVar variation 1333666 (VCV001333666.5), dbSNP rs2146029786, ClinGen allele CA405937995.